The following is an entry in ClinVar:

NM_001134673.4(NFIA):c.308G>C (p.Cys103Ser)

Gene: NFIA (nuclear factor I A; plus strand). Cytogenetic location: 1p31.3.
Variant type: single nucleotide variant.
Coding change: c.308G>C on transcript NM_001134673.4 (MANE Select); coding-DNA position 308, G replaced by C.
Protein change: p.Cys103Ser; replaces cysteine 103 with serine.
Molecular consequence: missense variant.
Genome position (GRCh38, 1-based): chr1:61,088,429, G>C. VCF-style: chr1-61088429-G-C. GRCh37 (hg19) VCF-style: chr1-61554101-G-C.
Other names: c.284G>C, p.Cys95Ser (NM_001145511.2); c.443G>C, p.Cys148Ser (NM_001145512.2); c.308G>C, p.Cys103Ser (NM_005595.5); short protein forms C103S, C95S, C148S.
Identifiers: ClinVar variation 423556 (VCV000423556.2), dbSNP rs1064796492, ClinGen allele CA16617175.

ClinVar aggregate classification (germline): Likely pathogenic (1 of 4 stars; one submission).

Submission:

GeneDx
Classification: Likely pathogenic. Last evaluated: 2017-02-23. Review status: criteria provided, single submitter. Criteria: GeneDx Variant Classification (06012015). Collection method: clinical testing. Allele origin: germline. Affected: yes.
Comment: The C103S variant in the NFIA gene has not been reported previously as a pathogenic variant, nor as a benign variant, to our knowledge. The C103S variant is not observed in large population cohorts (Lek et al., 2016; 1000 Genomes Consortium et al., 2015; Exome Variant Server). The C103S variant is a non-conservative amino acid substitution, which occurs at a position that is conserved across species. In silico analysis predicts this variant is probably damaging to the protein structure/function. The C103S variant is a strong candidate for a pathogenic variant